The following is an entry in ClinVar:

NM_007227.3(GPR45):c.437G>A (p.Arg146His)

Gene: GPR45 (G protein-coupled receptor 45; plus strand). Cytogenetic location: 2q12.1.
Variant type: single nucleotide variant.
Coding change: c.437G>A on transcript NM_007227.3 (MANE Select); coding-DNA position 437, G replaced by A.
Protein change: p.Arg146His; replaces arginine 146 with histidine.
Molecular consequence: missense variant.
Genome position (GRCh38, 1-based): chr2:105,242,295, G>A. VCF-style: chr2-105242295-G-A. GRCh37 (hg19) VCF-style: chr2-105858752-G-A.
Other names: short protein forms R146H.
Identifiers: ClinVar variation 2877832 (VCV002877832.3), dbSNP rs1483000559, ClinGen allele CA348100143.

ClinVar aggregate classification (germline): Uncertain significance (1 of 4 stars; one submission).

Allele frequency attached by ClinVar (database versions not stated): gnomAD exomes below 0.00001; gnomAD 0.00001; TOPMed 0.00002.
gnomAD v4.1: 4 of 1,613,958 alleles (0.00025%); highest among the groups gnomAD compares: Non-Finnish European, 0.00034%; no homozygotes.

Submission:

Labcorp Genetics (formerly Invitae), Labcorp
Classification: Uncertain significance. Last evaluated: 2024-01-29. Review status: criteria provided, single submitter. Criteria: Invitae Variant Classification Sherloc (09022015). Collection method: clinical testing. Allele origin: germline.
Comment: This sequence change replaces arginine, which is basic and polar, with histidine, which is basic and polar, at codon 146 of the GPR45 protein (p.Arg146His). This variant is not present in population databases (gnomAD no frequency). This variant has not been reported in the literature in individuals affected with GPR45-related conditions. An algorithm developed to predict the effect of missense changes on protein structure and function (PolyPhen-2) suggests that this variant is likely to be tolerated. In summary, the available evidence is currently insufficient to determine the role of this variant in disease. Therefore, it has been classified as a Variant of Uncertain Significance.